The following is an entry in ClinVar:

ClinVar aggregate classification (germline): Benign/Likely benign. Review status: criteria provided, multiple submitters, no conflicts (2 of 4 stars). 8 submissions from 8 submitters: Benign (3); Likely benign (4). 1 of the submissions does not count toward it. Last evaluated 2026-08-01.

Conditions:
Joubert syndrome 17 (JBTS17). Identifiers: Orphanet 475, MedGen C3553264, MONDO:0013824, OMIM 614615.

Allele frequency attached by ClinVar (database versions not stated): TOPMed 0.00002; gnomAD 0.00034; 1000 Genomes Project 30x 0.00203; 1000 Genomes Project 0.00220.
gnomAD v4.1: 1,052 of 1,611,056 alleles (0.065%); highest among the groups gnomAD compares: South Asian, 1.1%; 15 homozygotes.

Submissions (8):

CeGaT Center for Human Genetics Tuebingen
Classification: Benign. Last evaluated: 2026-08-01. Review status: criteria provided, single submitter. Criteria: CeGaT Center For Human Genetics Tuebingen Variant Classification Criteria Version 2. Collection method: clinical testing. Allele origin: germline. Affected: yes. Observed: 1 variant allele.
Comment: CPLANE1: BP4, BS1, BS2

Labcorp Genetics (formerly Invitae), Labcorp
Classification: Benign. Last evaluated: 2026-02-02. Review status: criteria provided, single submitter. Criteria: Invitae Variant Classification Sherloc (09022015). Collection method: clinical testing. Allele origin: germline.

Blueprint Genetics
Classification: Likely benign. Last evaluated: 2024-08-27. Review status: criteria provided, single submitter. Criteria: ACMG Guidelines, 2015. Collection method: clinical testing. Allele origin: germline.

GeneDx
Classification: Likely benign. Last evaluated: 2018-06-28. Review status: criteria provided, single submitter. Criteria: GeneDx Variant Classification Process June 2021. Collection method: clinical testing. Allele origin: germline. Affected: yes.

Illumina Laboratory Services, Illumina
Classification: Likely benign for Joubert syndrome 17. Last evaluated: 2018-01-13. Review status: criteria provided, single submitter. Criteria: ICSL Variant Classification Criteria 13 December 2019. Collection method: clinical testing. Allele origin: germline.
Comment: This variant was observed in the ICSL laboratory as part of a predisposition screen in an ostensibly healthy population. It had not been previously curated by ICSL or reported in the Human Gene Mutation Database (HGMD: prior to June 1st, 2018), and was therefore a candidate for classification through an automated scoring system. Utilizing variant allele frequency, disease prevalence and penetrance estimates, and inheritance mode, an automated score was calculated to assess if this variant is too frequent to cause the disease. Based on the score and internal cut-off values, a variant classified as likely benign is not then subjected to further curation. The score for this variant resulted in a classification of likely benign for this disease.

Clinical Genetics DNA and cytogenetics Diagnostics Lab, Erasmus MC, Erasmus Medical Center
Classification: Likely benign for Joubert syndrome 17. Last evaluated: 2017-08-14. Review status: criteria provided, single submitter. Criteria: ACGS Guidelines, 2013. Collection method: clinical testing. Allele origin: germline. Affected: yes. Study: VKGL Data-share Consensus.

PreventionGenetics, part of Exact Sciences
Classification: Benign. Review status: criteria provided, single submitter. Criteria: ACMG Guidelines, 2015. Collection method: clinical testing. Allele origin: germline.

Clinical Genetics, Academic Medical Center
Classification: Benign. Review status: no assertion criteria provided. Collection method: clinical testing. Allele origin: germline. Affected: yes. Study: VKGL Data-share Consensus. Not counted in ClinVar's aggregate classification.

NM_001384732.1(CPLANE1):c.4986A>C (p.Gln1662His)

Gene: CPLANE1 (ciliogenesis and planar polarity effector complex subunit 1; minus strand). Cytogenetic location: 5p13.2.
Variant type: single nucleotide variant.
Coding change: c.4986A>C on transcript NM_001384732.1 (MANE Select); coding-DNA position 4986, A replaced by C.
Protein change: p.Gln1662His; replaces glutamine 1662 with histidine.
Molecular consequence: missense variant.
Genome position (GRCh38, 1-based): chr5:37,183,195, T>G on the plus strand (A>C on the coding strand, the complement: CPLANE1 is on the minus strand). VCF-style: chr5-37183195-T-G. GRCh37 (hg19) VCF-style: chr5-37183297-T-G.
Other names: c.4986A>C, p.Gln1662His (NM_023073.4); short protein forms Q1662H.
Identifiers: ClinVar variation 261672 (VCV000261672.22), dbSNP rs547409263, ClinGen allele CA3238619.